The following is an entry in ClinVar:

NM_004369.4(COL6A3):c.3654G>A (p.Pro1218=)

Gene: COL6A3 (collagen type VI alpha 3 chain; minus strand). Cytogenetic location: 2q37.3.
Variant type: single nucleotide variant.
Coding change: c.3654G>A on transcript NM_004369.4 (MANE Select); coding-DNA position 3654, G replaced by A.
Protein change: p.Pro1218=; no amino-acid change (proline 1218 retained).
Molecular consequence: synonymous variant.
Genome position (GRCh38, 1-based): chr2:237,374,437, C>T on the plus strand (G>A on the coding strand, the complement: COL6A3 is on the minus strand). VCF-style: chr2-237374437-C-T. GRCh37 (hg19) VCF-style: chr2-238283080-C-T.
Other names: c.2433G>A, p.Pro811= (NM_057164.5); c.3036G>A, p.Pro1012= (NM_057165.5, NM_057167.4); c.1833G>A, p.Pro611= (NM_057166.5).
Identifiers: ClinVar variation 476518 (VCV000476518.13), dbSNP rs778039312, ClinGen allele CA2189122.
Genomic context (GRCh38, chr2:237,374,437, plus strand): 5'-ACACTGAGTGAGGATGCAAAGAGTTCCCTGCGTACCTGGGCTCGGTAGAGGCTGCAACAC[C>T]GGCTGCAGCCTGCTCAGCTCCTCGCGGGTGAGCTGGGTCACCCTCTCAGAGATGACCTGT-3'
Protein context (NP_004360.2, residues 1208-1228): LTREELSRLQ[Pro1218=]VLQPLPSPGV

ClinVar aggregate classification (germline): Likely benign. Review status: criteria provided, single submitter (1 of 4 stars). 2 submissions from 2 submitters: Likely benign (1). 1 of the submissions does not count toward it. Last evaluated 2026-01-05.

Conditions:
COL6A3-related disorder. Also called: COL6A3-related disorders; COL6A3-related condition.
Bethlem myopathy 1A. Also called: Bethlem Muscular Dystrophy; MYOPATHY, BENIGN CONGENITAL, WITH CONTRACTURES; Bethlem myopathy 1. Identifiers: Orphanet 610, MedGen CN029274, MONDO:0024530, OMIM 158810.

Allele frequency attached by ClinVar (database versions not stated): gnomAD 0.00002 and 0.00003; gnomAD exomes 0.00002 and 0.00004; TOPMed 0.00002; ExAC 0.00003.
gnomAD v4.1: 64 of 1,613,172 alleles (0.004%); highest among the groups gnomAD compares: Middle Eastern, 0.016%; no homozygotes.

Submissions (2):

Labcorp Genetics (formerly Invitae), Labcorp
Classification: Likely benign for Bethlem myopathy 1A. Last evaluated: 2026-01-05. Review status: criteria provided, single submitter. Criteria: Invitae Variant Classification Sherloc (09022015). Collection method: clinical testing. Allele origin: germline.

PreventionGenetics, part of Exact Sciences
Classification: Likely benign for COL6A3-related condition. Last evaluated: 2022-10-24. Review status: no assertion criteria provided. Collection method: clinical testing. Allele origin: germline. Not counted in ClinVar's aggregate classification.
Comment: This variant is classified as likely benign based on ACMG/AMP sequence variant interpretation guidelines (Richards et al. 2015 PMID: 25741868, with internal and published modifications).